The following is an entry in ClinVar:

NM_001081.4(CUBN):c.3651C>T (p.Asn1217=)

Gene: CUBN (cubilin; minus strand). Cytogenetic location: 10p13.
Variant type: single nucleotide variant.
Coding change: c.3651C>T on transcript NM_001081.4 (MANE Select); coding-DNA position 3651, C replaced by T.
Protein change: p.Asn1217=; no amino-acid change (asparagine 1217 retained).
Molecular consequence: synonymous variant.
Genome position (GRCh38, 1-based): chr10:17,045,028, G>A on the plus strand (C>T on the coding strand, the complement: CUBN is on the minus strand). VCF-style: chr10-17045028-G-A. GRCh37 (hg19) VCF-style: chr10-17087027-G-A.
Identifiers: ClinVar variation 3346281 (VCV003346281.1).
Genomic context (GRCh38, chr10:17,045,028, plus strand): 5'-TGGGAGCAGGGAACAATATGATGGAAACATTATACATACAGCCAGGTAATCTAAAGTGCA[G>A]TTTGGATGATGCTCCAAGTGAAAGTCTTTGAATTCCAGTTCAAATGCGCTGCCGTGGCTA-3'
Protein context (NP_001072.2, residues 1207-1227): FKDFHLEHHP[Asn1217=]CTLDYLAVYD

ClinVar aggregate classification (germline): Likely benign (0 of 4 stars; one submission).

Conditions:
CUBN-related disorder. Also called: CUBN-related condition.

gnomAD v4.1: 1 of 1,614,046 alleles (0.000062%); highest among the groups gnomAD compares: Non-Finnish European, 0.000085%; no homozygotes.

Submission:

PreventionGenetics, part of Exact Sciences
Classification: Likely benign for CUBN-related condition. Last evaluated: 2024-07-12. Review status: no assertion criteria provided. Collection method: clinical testing. Allele origin: germline.
Comment: This variant is classified as likely benign based on ACMG/AMP sequence variant interpretation guidelines (Richards et al. 2015 PMID: 25741868, with internal and published modifications).